The following is an entry in ClinVar:

ClinVar aggregate classification (germline): Pathogenic (1 of 4 stars; one submission).

Submission:

Labcorp Genetics (formerly Invitae), Labcorp
Classification: Pathogenic. Last evaluated: 2022-07-05. Review status: criteria provided, single submitter. Criteria: Invitae Variant Classification Sherloc (09022015). Collection method: clinical testing. Allele origin: germline.
Comment: This sequence change creates a premature translational stop signal (p.Gln492*) in the ZNFX1 gene. It is expected to result in an absent or disrupted protein product. Loss-of-function variants in ZNFX1 are known to be pathogenic (PMID: 33872655, 34708404). This variant is not present in population databases (gnomAD no frequency). This variant has not been reported in the literature in individuals affected with ZNFX1-related conditions. For these reasons, this variant has been classified as Pathogenic.

Literature cited by the submitters: PubMed 33872655; PubMed 34708404.

NM_021035.3(ZNFX1):c.1474C>T (p.Gln492Ter)

Gene: ZNFX1 (zinc finger NFX1-type containing 1; minus strand). Cytogenetic location: 20q13.13.
Variant type: single nucleotide variant.
Coding change: c.1474C>T on transcript NM_021035.3 (MANE Select); coding-DNA position 1474, C replaced by T.
Protein change: p.Gln492Ter; replaces glutamine 492 with a stop codon.
Molecular consequence: nonsense.
Genome position (GRCh38, 1-based): chr20:49,270,338, G>A on the plus strand (C>T on the coding strand, the complement: ZNFX1 is on the minus strand). VCF-style: chr20-49270338-G-A. GRCh37 (hg19) VCF-style: chr20-47886875-G-A.
Other names: short protein forms Q492*.
Identifiers: ClinVar variation 2155197 (VCV002155197.1), dbSNP rs2516781162, ClinGen allele CA409352361.